The following is an entry in ClinVar:

NM_000059.4(BRCA2):c.2693G>A (p.Arg898Lys)

Gene: BRCA2 (BRCA2 DNA repair associated; plus strand). Cytogenetic location: 13q13.1.
Variant type: single nucleotide variant.
Coding change: c.2693G>A on transcript NM_000059.4 (MANE Select); coding-DNA position 2693, G replaced by A.
Protein change: p.Arg898Lys; replaces arginine 898 with lysine.
Molecular consequence: missense variant. On other transcripts: non-coding transcript variant (1), intron variant (2).
Genome position (GRCh38, 1-based): chr13:32,337,048, G>A. VCF-style: chr13-32337048-G-A. GRCh37 (hg19) VCF-style: chr13-32911185-G-A.
Other names: c.2693G>A, p.Arg898Lys (NM_001406719.1, NM_001406720.1); c.1909+3661G>A (NM_001406721.1); c.424+6018G>A (NM_001406722.1); short protein forms R898K.
Identifiers: ClinVar variation 2823218 (VCV002823218.3), dbSNP rs397507292, ClinGen allele CA387773466.

ClinVar aggregate classification (germline): Uncertain significance (1 of 4 stars; one submission).

Conditions:
Hereditary breast ovarian cancer syndrome. Also called: Hereditary breast and/or ovarian cancer syndrome; Hereditary breast and ovarian cancer; Hereditary breast and ovarian cancer syndrome; Breast and ovarian cancer; Hereditary breast and ovarian cancer syndrome (HBOC); BRCA1- and BRCA2-Associated Hereditary Breast and Ovarian Cancer. Identifiers: Orphanet 145, MedGen C0677776, MeSH D061325, MONDO:0003582. Disease mechanism: loss of function.

gnomAD v4.1: 1 of 1,600,024 alleles (0.000062%); highest among the groups gnomAD compares: Non-Finnish European, 0.000085%; no homozygotes.

Submission:

Labcorp Genetics (formerly Invitae), Labcorp
Classification: Uncertain significance for Hereditary breast ovarian cancer syndrome. Last evaluated: 2023-03-17. Review status: criteria provided, single submitter. Criteria: Invitae Variant Classification Sherloc (09022015). Collection method: clinical testing. Allele origin: germline.
Comment: In summary, the available evidence is currently insufficient to determine the role of this variant in disease. Therefore, it has been classified as a Variant of Uncertain Significance. Advanced modeling of protein sequence and biophysical properties (such as structural, functional, and spatial information, amino acid conservation, physicochemical variation, residue mobility, and thermodynamic stability) performed at Invitae indicates that this missense variant is not expected to disrupt BRCA2 protein function. This variant has not been reported in the literature in individuals affected with BRCA2-related conditions. This variant is not present in population databases (gnomAD no frequency). This sequence change replaces arginine, which is basic and polar, with lysine, which is basic and polar, at codon 898 of the BRCA2 protein (p.Arg898Lys).